The following is an entry in ClinVar:

ClinVar aggregate classification (germline): Uncertain significance (1 of 4 stars; one submission).

Submission:

Labcorp Genetics (formerly Invitae), Labcorp
Classification: Uncertain significance. Last evaluated: 2021-04-14. Review status: criteria provided, single submitter. Criteria: Invitae Variant Classification Sherloc (09022015). Collection method: clinical testing. Allele origin: germline.
Comment: This sequence change replaces glycine with valine at codon 577 of the COL9A1 protein (p.Gly577Val). The glycine residue is highly conserved and there is a moderate physicochemical difference between glycine and valine. This variant is not present in population databases (ExAC no frequency). In summary, the available evidence is currently insufficient to determine the role of this variant in disease. Therefore, it has been classified as a Variant of Uncertain Significance. Advanced modeling of protein sequence and biophysical properties (such as structural, functional, and spatial information, amino acid conservation, physicochemical variation, residue mobility, and thermodynamic stability) performed at Invitae indicates that this missense variant is expected to disrupt COL9A1 protein function. This variant has not been reported in the literature in individuals with COL9A1-related conditions.

NM_001851.6(COL9A1):c.1730G>T (p.Gly577Val)

Gene: COL9A1 (collagen type IX alpha 1 chain; minus strand). Cytogenetic location: 6q13.
Variant type: single nucleotide variant.
Coding change: c.1730G>T on transcript NM_001851.6 (MANE Select); coding-DNA position 1730, G replaced by T.
Protein change: p.Gly577Val; replaces glycine 577 with valine.
Molecular consequence: missense variant. On other transcripts: non-coding transcript variant (1).
Genome position (GRCh38, 1-based): chr6:70,253,419, C>A on the plus strand (G>T on the coding strand, the complement: COL9A1 is on the minus strand). VCF-style: chr6-70253419-C-A. GRCh37 (hg19) VCF-style: chr6-70963122-C-A.
Other names: c.1031G>T, p.Gly344Val (NM_001377289.1); c.1001G>T, p.Gly334Val (NM_001377290.1, NM_078485.4); short protein forms G334V, G344V, G577V.
Identifiers: ClinVar variation 1015392 (VCV001015392.8), dbSNP rs1771075075, ClinGen allele CA364677352.